The following is an entry in ClinVar:

NM_006420.3(ARFGEF2):c.3288T>C (p.Ala1096=)

Gene: ARFGEF2 (ARF guanine nucleotide exchange factor 2; plus strand). Cytogenetic location: 20q13.13.
Variant type: single nucleotide variant.
Coding change: c.3288T>C on transcript NM_006420.3 (MANE Select); coding-DNA position 3288, T replaced by C.
Protein change: p.Ala1096=; no amino-acid change (alanine 1096 retained).
Molecular consequence: synonymous variant.
Genome position (GRCh38, 1-based): chr20:48,998,361, T>C. VCF-style: chr20-48998361-T-C. GRCh37 (hg19) VCF-style: chr20-47614898-T-C.
Other names: c.3285T>C, p.Ala1095= (NM_001410846.1).
Identifiers: ClinVar variation 2652386 (VCV002652386.24), dbSNP rs2515554831, ClinGen allele CA510794638.

ClinVar aggregate classification (germline): Likely benign (1 of 4 stars; one submission).

gnomAD v4.1: 1 of 1,614,190 alleles (0.000062%); no homozygotes.

Submission:

CeGaT Center for Human Genetics Tuebingen
Classification: Likely benign. Last evaluated: 2023-05-01. Review status: criteria provided, single submitter. Criteria: CeGaT Center For Human Genetics Tuebingen Variant Classification Criteria Version 2. Collection method: clinical testing. Allele origin: germline. Affected: yes. Observed: 1 variant allele.
Comment: ARFGEF2: PM2:Supporting, BP4, BP7